The following is an entry in ClinVar:

NM_033641.4(COL4A6):c.1106C>T (p.Pro369Leu)

Gene: COL4A6 (collagen type IV alpha 6 chain; minus strand). Cytogenetic location: Xq22.3.
Variant type: single nucleotide variant.
Coding change: c.1106C>T on transcript NM_033641.4 (MANE Select); coding-DNA position 1106, C replaced by T.
Protein change: p.Pro369Leu; replaces proline 369 with leucine.
Molecular consequence: missense variant.
Genome position (GRCh38, 1-based): chrX:108,192,547, G>A on the plus strand (C>T on the coding strand, the complement: COL4A6 is on the minus strand). VCF-style: chrX-108192547-G-A. GRCh37 (hg19) VCF-style: chrX-107435777-G-A.
Other names: c.1106C>T, p.Pro369Leu (NM_001287758.2, NM_001287759.2, NM_001287760.2); c.1109C>T, p.Pro370Leu (NM_001847.4); short protein forms P370L, P369L.
Identifiers: ClinVar variation 2887632 (VCV002887632.3), dbSNP rs2035081866, ClinGen allele CA413861659.
Genomic context (GRCh38, chrX:108,192,547, plus strand): 5'-AATCCAGGGACACCAGAAGGGCCACGTAGGCCTTGGATGCCTTCATCTCCTTTAAGGCCT[G>A]GGAGGCCAGGTACACCAGGATCTCCAGGATTACCTGGCATTGTAATGAAAGAAAATAGTA-3'
Protein context (NP_378667.1, residues 359-379): NPGDPGVPGL[Pro369Leu]GLKGDEGIQG

ClinVar aggregate classification (germline): Uncertain significance (1 of 4 stars; one submission).

Allele frequency attached by ClinVar (database versions not stated): TOPMed below 0.00001; gnomAD exomes 0.00001.
gnomAD v4.1: 9 of 1,204,470 alleles (0.00075%); highest among the groups gnomAD compares: East Asian, 0.018%; no homozygotes.

Submission:

Labcorp Genetics (formerly Invitae), Labcorp
Classification: Uncertain significance. Last evaluated: 2025-12-10. Review status: criteria provided, single submitter. Criteria: Invitae Variant Classification Sherloc (09022015). Collection method: clinical testing. Allele origin: germline.
Comment: This sequence change replaces proline, which is neutral and non-polar, with leucine, which is neutral and non-polar, at codon 370 of the COL4A6 protein (p.Pro370Leu). This variant is not present in population databases (gnomAD no frequency). This variant has not been reported in the literature in individuals affected with COL4A6-related conditions. ClinVar contains an entry for this variant (Variation ID: 2887632). Invitae Evidence Modeling of protein sequence and biophysical properties (such as structural, functional, and spatial information, amino acid conservation, physicochemical variation, residue mobility, and thermodynamic stability) indicates that this missense variant is not expected to disrupt COL4A6 protein function with a negative predictive value of 80%. In summary, the available evidence is currently insufficient to determine the role of this variant in disease. Therefore, it has been classified as a Variant of Uncertain Significance.